The following is an entry in ClinVar:

NM_182643.3(DLC1):c.559A>G (p.Ile187Val)

Gene: DLC1 (DLC1 Rho GTPase activating protein; minus strand). Cytogenetic location: 8p22.
Variant type: single nucleotide variant.
Coding change: c.559A>G on transcript NM_182643.3 (MANE Select); coding-DNA position 559, A replaced by G.
Protein change: p.Ile187Val; replaces isoleucine 187 with valine.
Molecular consequence: missense variant. On other transcripts: 5 prime UTR variant (1).
Genome position (GRCh38, 1-based): chr8:13,499,513, T>C on the plus strand (A>G on the coding strand, the complement: DLC1 is on the minus strand). VCF-style: chr8-13499513-T-C. GRCh37 (hg19) VCF-style: chr8-13357022-T-C.
Other names: c.559A>G, p.Ile187Val (NM_001348081.2, NM_001413124.1, NM_001413125.1 and 1 more transcripts); c.-893A>G (NM_001348082.2); short protein forms I187V.
Identifiers: ClinVar variation 3595228 (VCV003595228.3).

ClinVar aggregate classification (germline): Uncertain significance. Review status: criteria provided, multiple submitters, no conflicts (2 of 4 stars). 2 submissions from 2 submitters: Uncertain significance (2). Last evaluated 2025-05-03.

Conditions:
Colorectal cancer. Also called: Colorectal cancer, somatic; Malignant Colorectal Neoplasm. Identifiers: MedGen C0346629, MONDO:0005575, OMIM 114500.

gnomAD v4.1: 44 of 1,614,076 alleles (0.0027%); highest among the groups gnomAD compares: East Asian, 0.02%; no homozygotes.

Submissions (2):

Labcorp Genetics (formerly Invitae), Labcorp
Classification: Uncertain significance. Last evaluated: 2025-05-03. Review status: criteria provided, single submitter. Criteria: Invitae Variant Classification Sherloc (09022015). Collection method: clinical testing. Allele origin: germline.
Comment: This sequence change replaces isoleucine, which is neutral and non-polar, with valine, which is neutral and non-polar, at codon 187 of the DLC1 protein (p.Ile187Val). This variant is present in population databases (rs774997042, gnomAD 0.02%). This variant has not been reported in the literature in individuals affected with DLC1-related conditions. ClinVar contains an entry for this variant (Variation ID: 3595228). An algorithm developed to predict the effect of missense changes on protein structure and function outputs the following: PolyPhen-2: "Benign". The valine amino acid residue is found in multiple mammalian species, which suggests that this missense change does not adversely affect protein function. In summary, the available evidence is currently insufficient to determine the role of this variant in disease. Therefore, it has been classified as a Variant of Uncertain Significance.

Fulgent Genetics
Classification: Uncertain significance for Colorectal cancer. Last evaluated: 2024-02-15. Review status: criteria provided, single submitter. Criteria: ACMG Guidelines, 2015. Collection method: clinical testing. Allele origin: germline.